The following is an entry in ClinVar:

ClinVar aggregate classification (germline): Pathogenic (1 of 4 stars; one submission).

Submission:

ISCA Site 6
Classification: Pathogenic. Last evaluated: 2011-08-12. Review status: criteria provided, single submitter. Criteria: Kaminsky et al. (Genet Med. 2011). Collection method: clinical testing. Allele origin: de novo. Affected: yes. Observed: 1 variant allele.
Comment: Copy number variation identified through the course of routine clinical cytogenomic testing in postnatal populations. Clinical assertions have been curated as described in Kaminsky et al. 2011.

GRCh38/hg38 20p13-11.23(chr20:89939-19071495)x3

Genes: LRRN4 (leucine rich repeat neuronal 4; minus strand), LZTS3 (leucine zipper tumor suppressor family member 3; minus strand), MACROD2 (mono-ADP ribosylhydrolase 2; plus strand), MACROD2-AS1 (MACROD2 antisense RNA 1; minus strand), MACROD2-IT1 (MACROD2 intronic transcript 1; plus strand) and 577 more. Cytogenetic location: 20p13-11.23.
Variant type: copy number gain.
Change: copy number 3 (three copies instead of two) of chr20:89,939-19,071,495 (18.98 Mb, GRCh38 coordinates, 1-based), cytogenetic band 20p13-11.23.
Identifiers: ClinVar variation 59191 (VCV000059191.2).